The following is an entry in ClinVar:

ClinVar aggregate classification (germline): Pathogenic (1 of 4 stars; one submission).

Conditions:
Ehlers-Danlos syndrome, type 4 (EDSVASC). Also called: Ehlers-Danlos syndrome vascular type; Ehlers Danlos syndrome, ecchymotic type; Ehlers Danlos syndrome, arterial type; Ehlers Danlos syndrome, Sack-Barabas type; Ehlers-Danlos Syndrome Type IV. Identifiers: Orphanet 286, MedGen C0268338, MONDO:0017314, OMIM 130050.

Submission:

Labcorp Genetics (formerly Invitae), Labcorp
Classification: Pathogenic for Ehlers-Danlos syndrome, type 4. Last evaluated: 2018-02-08. Review status: criteria provided, single submitter. Criteria: Invitae Variant Classification Sherloc (09022015). Collection method: clinical testing. Allele origin: germline.
Comment: Glycine residues within the Gly-Xaa-Yaa repeats of the triple helix domain are required for the structure and stability of fibrillar collagens (PMID: 7695699, 8218237, 19344236). In COL3A1, missense variants at these glycine residues are significantly enriched in individuals with disease (PMID: 24922459, 25758994) compared to the general population (ExAC). Other missense substitutions at this codon (p.Gly501Ala and p.Gly501Arg) have been reported in individuals with suspected Ehlers-Danlos syndrome, type IV (PMID:10706896 and 22038052). For these reasons, this variant has been classified as Pathogenic. Algorithms developed to predict the effect of missense changes on protein structure and function do not agree on the potential impact of this missense change (SIFT: "Deleterious"; PolyPhen-2: "Probably Damaging"; Align-GVGD: "Class C0"). This variant has been observed to be de novo in an affected individual tested at a diagnostic lab. This variant is not present in population databases (ExAC no frequency). This sequence change replaces glycine with glutamic acid at codon 501 of the COL3A1 protein (p.Gly501Glu). The glycine residue is highly conserved and there is a moderate physicochemical difference between glycine and glutamic acid.

Literature cited by the submitters: PubMed 7695699; PubMed 8218237; PubMed 19344236; PubMed 24922459; PubMed 25758994; PubMed 10706896; PubMed 22038052.

NM_000090.4(COL3A1):c.1502G>A (p.Gly501Glu)

Gene: COL3A1 (collagen type III alpha 1 chain; plus strand). Cytogenetic location: 2q32.2.
Variant type: single nucleotide variant.
Coding change: c.1502G>A on transcript NM_000090.4 (MANE Select); coding-DNA position 1502, G replaced by A.
Protein change: p.Gly501Glu; replaces glycine 501 with glutamic acid.
Molecular consequence: missense variant.
Genome position (GRCh38, 1-based): chr2:188,995,092, G>A. VCF-style: chr2-188995092-G-A. GRCh37 (hg19) VCF-style: chr2-189859818-G-A.
Other names: short protein forms G501E.
Identifiers: ClinVar variation 581735 (VCV000581735.9), dbSNP rs1559056621, ClinGen allele CA349852055.